The following is an entry in ClinVar:

ClinVar aggregate classification (germline): Conflicting classifications of pathogenicity. Review status: criteria provided, conflicting classifications (1 of 4 stars). 4 submissions from 3 submitters: Uncertain significance (2); Benign (1); Likely benign (1). Last evaluated 2024-06-05.

Conditions:
Spinocerebellar ataxia, autosomal recessive, with axonal neuropathy 2 (SCAN2). Also called: ATAXIA-OCULOMOTOR APRAXIA 2; Ataxia-ocular apraxia-2; Ataxia with Oculomotor Apraxia; Ataxia with Oculomotor Apraxia Type 2. Identifiers: Orphanet 64753, MedGen C1853761, MONDO:0018996, OMIM 606002.
Inborn genetic diseases. Identifiers: MedGen C0950123, MeSH D030342.
Amyotrophic lateral sclerosis type 4 (ALS4). Also called: AMYOTROPHIC LATERAL SCLEROSIS 4, JUVENILE; NEURONOPATHY, DISTAL HEREDITARY MOTOR, WITH PYRAMIDAL FEATURES. Identifiers: Orphanet 357043, MedGen C1865409, MONDO:0011223, OMIM 602433.

Allele frequency attached by ClinVar (database versions not stated): gnomAD 0.00001 and 0.00003; TOPMed 0.00002; gnomAD exomes 0.00007; ExAC 0.00011.
gnomAD v4.1: 68 of 1,609,838 alleles (0.0042%); highest among the groups gnomAD compares: South Asian, 0.062%; no homozygotes.

Submissions (4):

Labcorp Genetics (formerly Invitae), Labcorp
Classification: Benign for Amyotrophic lateral sclerosis type 4; Spinocerebellar ataxia, autosomal recessive, with axonal neuropathy 2. Last evaluated: 2024-06-05. Review status: criteria provided, single submitter. Criteria: Invitae Variant Classification Sherloc (09022015). Collection method: clinical testing. Allele origin: germline.

Ambry Genetics
Classification: Uncertain significance for Inborn genetic diseases. Last evaluated: 2020-03-03. Review status: criteria provided, single submitter. Criteria: Ambry Variant Classification Scheme 2023. Collection method: clinical testing. Allele origin: germline.
Comment: The p.A1929V variant (also known as c.5786C>T), located in coding exon 12 of the SETX gene, results from a C to T substitution at nucleotide position 5786. The alanine at codon 1929 is replaced by valine, an amino acid with similar properties. This amino acid position is not well conserved in available vertebrate species. In addition, this alteration is predicted to be tolerated by in silico analysis. Based on data from the Genome Aggregation Consortium (gnomAD), this variant has an overall frequency of 0.006834% (19 out of 278,012 total alleles studied) without any homozygous individuals observed. The highest observed frequency occurs in the South Asian sub-population at 0.05294% (16 out of 30,224 alleles studied). Therefore, this variant is too common and is considered to be likely benign for the autosomal dominant juvenile amyotrophic lateral sclerosis 4 (ALS4) disorder but is still rare enough to potentially cause the autosomal recessive spinocerebellar ataxia with axonal neuropathy 2 (SCAN2) disorder. Since supporting evidence is limited at this time, the clinical significance of this alteration remains unclear.

Illumina Laboratory Services, Illumina
Classification: Uncertain significance for Spinocerebellar ataxia, autosomal recessive, with axonal neuropathy 2. Last evaluated: 2018-01-12. Review status: criteria provided, single submitter. Criteria: ICSL Variant Classification Criteria 13 December 2019. Collection method: clinical testing. Allele origin: germline.

Illumina Laboratory Services, Illumina
Classification: Likely benign for Amyotrophic lateral sclerosis type 4. Last evaluated: 2018-01-12. Review status: criteria provided, single submitter. Criteria: ICSL Variant Classification Criteria 13 December 2019. Collection method: clinical testing. Allele origin: germline.
Comment: This variant was observed in the ICSL laboratory as part of a predisposition screen in an ostensibly healthy population. It had not been previously curated by ICSL or reported in the Human Gene Mutation Database (HGMD: prior to June 1st, 2018), and was therefore a candidate for classification through an automated scoring system. Utilizing variant allele frequency, disease prevalence and penetrance estimates, and inheritance mode, an automated score was calculated to assess if this variant is too frequent to cause the disease. Based on the score and internal cut-off values, a variant classified as likely benign is not then subjected to further curation. The score for this variant resulted in a classification of likely benign for this disease.

NM_015046.7(SETX):c.5786C>T (p.Ala1929Val)

Gene: SETX (senataxin; minus strand). Cytogenetic location: 9q34.13.
Variant type: single nucleotide variant.
Coding change: c.5786C>T on transcript NM_015046.7 (MANE Select); coding-DNA position 5786, C replaced by T.
Protein change: p.Ala1929Val; replaces alanine 1929 with valine.
Molecular consequence: missense variant.
Genome position (GRCh38, 1-based): chr9:132,297,050, G>A on the plus strand (C>T on the coding strand, the complement: SETX is on the minus strand). VCF-style: chr9-132297050-G-A. GRCh37 (hg19) VCF-style: chr9-135172437-G-A.
Other names: c.5786C>T, p.Ala1929Val (NM_001351527.2, NM_001351528.2); short protein forms A1929V.
Identifiers: ClinVar variation 912456 (VCV000912456.8), dbSNP rs200571606, ClinGen allele CA5296894.